The following is an entry in ClinVar:

ClinVar aggregate classification (germline): Conflicting classifications of pathogenicity. Review status: criteria provided, conflicting classifications (1 of 4 stars). 2 submissions from 2 submitters: Likely pathogenic (1); Uncertain significance (1). Last evaluated 2020-08-20.

Conditions:
TRPC6-related disorder. Also called: TRPC6-related condition.

Allele frequency attached by ClinVar (database versions not stated): gnomAD exomes below 0.00001.
gnomAD v4.1: 4 of 1,613,770 alleles (0.00025%); highest among the groups gnomAD compares: Non-Finnish European, 0.00034%; no homozygotes.

Submissions (2):

Labcorp Genetics (formerly Invitae), Labcorp
Classification: Uncertain significance. Last evaluated: 2020-08-20. Review status: criteria provided, single submitter. Criteria: Invitae Variant Classification Sherloc (09022015). Collection method: clinical testing. Allele origin: germline.
Comment: In summary, the available evidence is currently insufficient to determine the role of this variant in disease. Therefore, it has been classified as a Variant of Uncertain Significance. This variant disrupts the p.Arg895 amino acid residue in TRPC6. Other variant(s) that disrupt this residue have been determined to be pathogenic (PMID: 15924139, 28921387, 23645677, Invitae). This suggests that this residue is clinically significant, and that variants that disrupt this residue are likely to be disease-causing. Algorithms developed to predict the effect of missense changes on protein structure and function are either unavailable or do not agree on the potential impact of this missense change (SIFT: "Tolerated"; PolyPhen-2: "Probably Damaging"; Align-GVGD: "Class C0"). This variant has not been reported in the literature in individuals with TRPC6-related conditions. This variant is not present in population databases (ExAC no frequency). This sequence change replaces arginine with histidine at codon 895 of the TRPC6 protein (p.Arg895His). The arginine residue is highly conserved and there is a small physicochemical difference between arginine and histidine.

Blueprint Genetics
Classification: Likely pathogenic for TRPC6-related disorders. Last evaluated: 2017-11-20. Review status: criteria provided, single submitter. Criteria: ACMG Guidelines, 2015. Collection method: clinical testing. Allele origin: germline. Affected: yes. Observed: 1 variant allele.

Literature cited by the submitters: PubMed 15924139 (cited by Labcorp Genetics (formerly Invitae), Labcorp); PubMed 28921387 (cited by Labcorp Genetics (formerly Invitae), Labcorp); PubMed 23645677 (cited by Labcorp Genetics (formerly Invitae), Labcorp).

NM_004621.6(TRPC6):c.2684G>A (p.Arg895His)

Gene: TRPC6 (transient receptor potential cation channel subfamily C member 6; minus strand). Cytogenetic location: 11q22.1.
Variant type: single nucleotide variant.
Coding change: c.2684G>A on transcript NM_004621.6 (MANE Select); coding-DNA position 2684, G replaced by A.
Protein change: p.Arg895His; replaces arginine 895 with histidine.
Molecular consequence: missense variant.
Genome position (GRCh38, 1-based): chr11:101,453,067, C>T on the plus strand (G>A on the coding strand, the complement: TRPC6 is on the minus strand). VCF-style: chr11-101453067-C-T. GRCh37 (hg19) VCF-style: chr11-101323798-C-T.
Other names: short protein forms R895H.
Identifiers: ClinVar variation 1040107 (VCV001040107.9), dbSNP rs1591517912, ClinGen allele CA382486997.
Genomic context (GRCh38, chr11:101,453,067, plus strand): 5'-TCTCTAATAAGTTCTGCTAGGTCTTCTGTATTCTGAGATTTTTCTTCAAGGAGTTCATAG[C>T]GGAGACTTGAGATGTCCTGCTTAATTTCCTTCAGTTCCCCTTTGAAAGCAAGAGTGATAA-3'
Protein context (NP_004612.2, residues 885-905): KEIKQDISSL[Arg895His]YELLEEKSQN